The following is an entry in ClinVar:

NM_000257.4(MYH7):c.4402G>A (p.Glu1468Lys)

Genes: MHRT (myosin heavy chain associated RNA transcript; plus strand), MYH7 (myosin heavy chain 7; minus strand). Cytogenetic location: 14q11.2.
Variant type: single nucleotide variant.
Coding change: c.4402G>A on transcript NM_000257.4 (MANE Select); coding-DNA position 4402, G replaced by A.
Protein change: p.Glu1468Lys; replaces glutamic acid 1468 with lysine.
Molecular consequence: missense variant. On other transcripts: non-coding transcript variant (1).
Genome position (GRCh38, 1-based): chr14:23,417,270, C>T on the plus strand (G>A on the coding strand, the complement: MYH7 is on the minus strand). VCF-style: chr14-23417270-C-T. GRCh37 (hg19) VCF-style: chr14-23886479-C-T.
Other names: c.4402G>A (LRG_384t1); short protein forms E1468K.
Identifiers: ClinVar variation 235033 (VCV000235033.23), dbSNP rs876657884, ClinGen allele CA10581170.

ClinVar aggregate classification (germline): Conflicting classifications of pathogenicity. Review status: criteria provided, conflicting classifications (1 of 4 stars). 8 submissions from 8 submitters: Pathogenic (2); Likely pathogenic (5); Uncertain significance (1). Last evaluated 2026-08-06.

Conditions:
Cardiovascular phenotype. Identifiers: MedGen CN230736.
Hypertrophic cardiomyopathy 1 (CMH1). Also called: Familial hypertrophic cardiomyopathy 1; MYH7-Related Familial Hypertrophic Cardiomyopathy. Identifiers: MedGen C3495498, MONDO:0008647, OMIM 192600.
MYH7-related skeletal myopathy. Also called: Myopathy, distal, 1; Laing distal myopathy; Laing early-onset distal myopathy; MYOPATHY, DISTAL, EARLY-ONSET, AUTOSOMAL DOMINANT; MYOPATHY, LATE DISTAL HEREDITARY. Identifiers: Orphanet 59135, MedGen C4552004, MONDO:0008050, OMIM 160500.
Cardiomyopathy (CMYO). Also called: Cardiomyopathies. Identifiers: Orphanet 167848, MedGen C0878544, MONDO:0004994, HP:0001638. Inheritance: Various modes of inheritance.
Primary familial hypertrophic cardiomyopathy (HCM). Identifiers: Orphanet 99739, MedGen C0949658, MeSH D024741, MONDO:0024573. Inheritance: Various modes of inheritance.
Hypertrophic cardiomyopathy. Also called: HYPERTROPHIC MYOCARDIOPATHY. Identifiers: Orphanet 217569, MedGen C0007194, MeSH D002312, MONDO:0005045, HP:0001639.

Submissions (8):

OLLIN Analises Genomicas, OLLIN
Classification: Pathogenic for MYH7-related skeletal myopathy. Last evaluated: 2026-08-06. Review status: criteria provided, single submitter. Criteria: ACMG Guidelines 2015 PMID 25741868. Collection method: clinical testing. Allele origin: germline. Inheritance: Autosomal dominant inheritance.
Comment: This missense variant, located in exon 32 (of 40), is absent from gnomAD but has been reported in ClinVar (accession VCV000228911.5) and in the scientific literature, segregating with the phenotype, in individuals with MYH7 related disorders (PMID: 27737317). In silico analysis predicts that this variant has a deleterious effect. According to the currently available evidence, this variant has been classified as pathogenic (PS4, PM2_P, PP1_S, PP3).

Labcorp Genetics (formerly Invitae), Labcorp
Classification: Pathogenic for Hypertrophic cardiomyopathy. Last evaluated: 2026-01-01. Review status: criteria provided, single submitter. Criteria: Invitae Variant Classification Sherloc (09022015). Collection method: clinical testing. Allele origin: germline.
Comment: This sequence change replaces glutamic acid, which is acidic and polar, with lysine, which is basic and polar, at codon 1468 of the MYH7 protein (p.Glu1468Lys). This variant is not present in population databases (gnomAD no frequency). This missense change has been observed in individuals with hypertrophic cardiomyopathy (PMID: 26656175, 27247418, 27737317, 30297972; internal data). It has also been observed to segregate with disease in related individuals. ClinVar contains an entry for this variant (Variation ID: 235033). Invitae Evidence Modeling of protein sequence and biophysical properties (such as structural, functional, and spatial information, amino acid conservation, physicochemical variation, residue mobility, and thermodynamic stability) indicates that this missense variant is expected to disrupt MYH7 protein function with a positive predictive value of 95%. For these reasons, this variant has been classified as Pathogenic.

GeneDx
Classification: Likely pathogenic. Last evaluated: 2025-11-29. Review status: criteria provided, single submitter. Criteria: GeneDx Variant Classification Process June 2021. Collection method: clinical testing. Allele origin: germline. Affected: yes.
Comment: Not observed at significant frequency in large population cohorts (gnomAD); In silico analysis supports that this missense variant has a deleterious effect on protein structure/function; This variant is associated with the following publications: (PMID: 27054166, 27247418, 26656175, 27737317, 33495597, 31199839, 30297972, 32481709, 33764162)

Ambry Genetics
Classification: Likely pathogenic for Cardiovascular phenotype. Last evaluated: 2024-03-04. Review status: criteria provided, single submitter. Criteria: Ambry Variant Classification Scheme 2023. Collection method: clinical testing. Allele origin: germline.
Comment: The p.E1468K variant (also known as c.4402G>A), located in coding exon 30 of the MYH7 gene, results from a G to A substitution at nucleotide position 4402. The glutamic acid at codon 1468 is replaced by lysine, an amino acid with similar properties. This alteration has been identified in multiple individuals with hypertrophic cardiomyopathy and has been shown to segregate with disease in several families (Bottillo I et al. Gene, 2016 Feb;577:227-35; Mattos BP et al. Arq. Bras. Cardiol., 2016 Sep;107:257-265; Ho CY et al. Circulation, 2018 Oct;138:1387-1398; external communication; Ambry internal data). However, a number of relatives positive for this alteration were reportedly unaffected, suggesting incomplete penetrance. This variant is considered to be rare based on population cohorts in the Genome Aggregation Database (gnomAD). This amino acid position is highly conserved in available vertebrate species. In addition, this alteration is predicted to be deleterious by in silico analysis. Based on the majority of available evidence to date, this variant is likely to be pathogenic.

Women's Health and Genetics/Laboratory Corporation of America, LabCorp
Classification: Likely pathogenic for Primary familial hypertrophic cardiomyopathy. Last evaluated: 2023-10-31. Review status: criteria provided, single submitter. Criteria: LabCorp Variant Classification Summary - May 2015. Collection method: clinical testing. Allele origin: germline.
Comment: Variant summary: MYH7 c.4402G>A (p.Glu1468Lys) results in a conservative amino acid change located in the myosin tail domain (IPR002928) of the encoded protein sequence. Four of five in-silico tools predict a damaging effect of the variant on protein function. The variant was absent in 251430 control chromosomes (gnomAD). c.4402G>A has been reported in the literature in multiple individuals affected with Hypertrophic Cardiomyopathy (e.g. Mattos_2016, Bottillo_2016, Homburger_2016, Miller_2019) and has been reported to segregate with the disease phenotype within affected families, although multiple unaffected family members were also reported with the variant, suggesting a reduced penetrance (Mattos_2016). These data indicate that the variant is likely to be associated with disease. To our knowledge, no experimental evidence demonstrating an impact on protein function has been reported. The following publications have been ascertained in the context of this evaluation (PMID: 26656175, 30297972, 27247418, 27737317, 31199839). Four submitters have cited clinical-significance assessments for this variant to ClinVar after 2014. Three submitters classified the variant as pathogenic/likely pathogenic and one classified it as uncertain significance. Based on the evidence outlined above, the variant was classified as likely pathogenic.

CHEO Genetics Diagnostic Laboratory, Children's Hospital of Eastern Ontario
Classification: Likely pathogenic for Cardiomyopathy. Last evaluated: 2022-09-14. Review status: criteria provided, single submitter. Criteria: ACMG Guidelines, 2015. Collection method: clinical testing. Allele origin: germline.

Victorian Clinical Genetics Services, Murdoch Childrens Research Institute
Classification: Likely pathogenic for Hypertrophic cardiomyopathy 1. Last evaluated: 2020-06-11. Review status: criteria provided, single submitter. Criteria: ACMG Guidelines, 2015. Collection method: clinical testing. Allele origin: germline.
Comment: Based on the classification scheme VCGS_Germline_v1.3.2, this variant is classified as likely pathogenic. Following criteria are met: 0105 - The mechanism of disease for this gene is not clearly established, however, missense variants have been proposed to act in a dominant negative manner (PMID: 24714796). (I) 0108 - This gene is associated with both recessive and dominant disease. Dominant and digenic HCM reported. Recessive for myosin storage myopathy (OMIM). (I) 0112 - The condition associated with this gene has incomplete penetrance. HCM associated with MYH7 variants is known to have reduced penetrance (PMID: 29300372). (I) 0200 - Variant is predicted to result in a missense amino acid change from glutamic acid to lysine. (I) 0251 - This variant is heterozygous. (I) 0301 - Variant is absent from gnomAD (both v2 and v3). (SP) 0502 - Missense variant with conflicting in silico predictions and uninformative conservation. (I) 0600 - Variant is located in the annotated myosin tail domain (PDB). (I) 0710 - Another missense variant comparable to the one identified in this case has inconclusive previous evidence for pathogenicity. p.(Glu1468Gln) has been classified as a VUS in one HCM patient (PMID: 30297972) and has one VUS entry in ClinVar (no clinical information provided). (I) 0801 - This variant has strong previous evidence of pathogenicity in unrelated individuals. This variant has been identified in three unrelated HCM families (PMID: 27737317) and has two likely pathogenic entries (cardiovascular phenotype and HCM) and one VUS entry (no clinical information provided) in ClinVar. (SP) 0903 - This variant has limited evidence for segregation with disease. This variant has segregated with HCM in two unrelated families with a total of five meioses. The variant had incomplete penetrance within the two families (PMID: 27737317). (SP) 1007 - No published functional evidence has been identified for this variant. (I) 1208 - Inheritance information for this variant is not currently available in this individual. (I) Legend: (SP) - Supporting pathogenic, (I) - Information, (SB) - Supporting benign

Stanford Center for Inherited Cardiovascular Disease, Stanford University
Classification: Uncertain significance. Last evaluated: 2014-03-18. Review status: criteria provided, single submitter. Criteria: ACMG Guidelines, 2015. Collection method: provider interpretation. Allele origin: germline.

Literature cited by the submitters: PubMed 27737317 (cited by 5 submitters); PubMed 26656175 (cited by 3 submitters); PubMed 27247418 (cited by 3 submitters); PubMed 30297972 (cited by 4 submitters); PubMed 31199839 (cited by Ambry Genetics and Women's Health and Genetics/Laboratory Corporation of America, LabCorp); PubMed 32481709 (cited by Ambry Genetics); PubMed 33495597 (cited by Ambry Genetics); PubMed 33764162 (cited by Ambry Genetics); PubMed 24714796 (cited by Victorian Clinical Genetics Services, Murdoch Childrens Research Institute); PubMed 29300372 (cited by Victorian Clinical Genetics Services, Murdoch Childrens Research Institute).